The following is an entry in ClinVar:

ClinVar aggregate classification (germline): Uncertain significance. Review status: criteria provided, multiple submitters, no conflicts (2 of 4 stars). 2 submissions from 2 submitters: Uncertain significance (2). Last evaluated 2022-04-16.

Conditions:
Donnai-Barrow syndrome. Also called: DBS/FOAR SYNDROME; FACIOOCULOACOUSTICORENAL SYNDROME. Identifiers: Orphanet 2143, MedGen C1857277, MONDO:0009104, OMIM 222448.

gnomAD v4.1: 10 of 1,614,088 alleles (0.00062%); highest among the groups gnomAD compares: Admixed American, 0.0083%; no homozygotes.

Submissions (2):

Fulgent Genetics
Classification: Uncertain significance for Donnai-Barrow syndrome. Last evaluated: 2022-04-16. Review status: criteria provided, single submitter. Criteria: ACMG Guidelines, 2015. Collection method: clinical testing. Allele origin: unknown.

Labcorp Genetics (formerly Invitae), Labcorp
Classification: Uncertain significance. Last evaluated: 2022-02-25. Review status: criteria provided, single submitter. Criteria: Invitae Variant Classification Sherloc (09022015). Collection method: clinical testing. Allele origin: germline.
Comment: This sequence change replaces arginine, which is basic and polar, with leucine, which is neutral and non-polar, at codon 2262 of the LRP2 protein (p.Arg2262Leu). This variant is present in population databases (rs201740125, gnomAD 0.01%). This variant has not been reported in the literature in individuals affected with LRP2-related conditions. Advanced modeling of protein sequence and biophysical properties (such as structural, functional, and spatial information, amino acid conservation, physicochemical variation, residue mobility, and thermodynamic stability) performed at Invitae indicates that this missense variant is not expected to disrupt LRP2 protein function. In summary, the available evidence is currently insufficient to determine the role of this variant in disease. Therefore, it has been classified as a Variant of Uncertain Significance.

NM_004525.3(LRP2):c.6785G>T (p.Arg2262Leu)

Gene: LRP2 (LDL receptor related protein 2; minus strand). Cytogenetic location: 2q31.1.
Variant type: single nucleotide variant.
Coding change: c.6785G>T on transcript NM_004525.3 (MANE Select); coding-DNA position 6785, G replaced by T.
Protein change: p.Arg2262Leu; replaces arginine 2262 with leucine.
Molecular consequence: missense variant.
Genome position (GRCh38, 1-based): chr2:169,206,935, C>A on the plus strand (G>T on the coding strand, the complement: LRP2 is on the minus strand). VCF-style: chr2-169206935-C-A. GRCh37 (hg19) VCF-style: chr2-170063445-C-A.
Other names: short protein forms R2262L.
Identifiers: ClinVar variation 1524622 (VCV001524622.4), dbSNP rs201740125, ClinGen allele CA1954219.